The following is an entry in ClinVar:

NM_020297.4(ABCC9):c.2033A>G (p.Tyr678Cys)

Gene: ABCC9 (ATP binding cassette subfamily C member 9; minus strand). Cytogenetic location: 12p12.1.
Variant type: single nucleotide variant.
Coding change: c.2033A>G on transcript NM_020297.4 (MANE Select); coding-DNA position 2033, A replaced by G.
Protein change: p.Tyr678Cys; replaces tyrosine 678 with cysteine.
Molecular consequence: missense variant.
Genome position (GRCh38, 1-based): chr12:21,875,713, T>C on the plus strand (A>G on the coding strand, the complement: ABCC9 is on the minus strand). VCF-style: chr12-21875713-T-C. GRCh37 (hg19) VCF-style: chr12-22028647-T-C.
Other names: c.2033A>G, p.Tyr678Cys (NM_001377273.1, NM_005691.4); c.1169A>G, p.Tyr390Cys (NM_001377274.1); short protein forms Y678C, Y390C.
Identifiers: ClinVar variation 954102 (VCV000954102.9), dbSNP rs1437551187, ClinGen allele CA384134438.

ClinVar aggregate classification (germline): Uncertain significance (1 of 4 stars; one submission).

Conditions:
Dilated cardiomyopathy 1O (CMD1O). Also called: CARDIOMYOPATHY, DILATED, WITH VENTRICULAR TACHYCARDIA. Identifiers: Orphanet 154, MedGen C1837839, MONDO:0012062, OMIM 608569.

Allele frequency attached by ClinVar (database versions not stated): gnomAD exomes below 0.00001; TOPMed 0.00001.
gnomAD v4.1: 1 of 1,610,948 alleles (0.000062%); highest among the groups gnomAD compares: Non-Finnish European, 0.000085%; no homozygotes.

Submission:

Labcorp Genetics (formerly Invitae), Labcorp
Classification: Uncertain significance for Dilated cardiomyopathy 1O. Last evaluated: 2019-07-11. Review status: criteria provided, single submitter. Criteria: Invitae Variant Classification Sherloc (09022015). Collection method: clinical testing. Allele origin: germline.
Comment: In summary, the available evidence is currently insufficient to determine the role of this variant in disease. Therefore, it has been classified as a Variant of Uncertain Significance. Algorithms developed to predict the effect of missense changes on protein structure and function are either unavailable or do not agree on the potential impact of this missense change (SIFT: "Deleterious"; PolyPhen-2: "Benign"; Align-GVGD: "Class C0"). This variant has not been reported in the literature in individuals with ABCC9-related conditions. This variant is not present in population databases (ExAC no frequency). This sequence change replaces tyrosine with cysteine at codon 678 of the ABCC9 protein (p.Tyr678Cys). The tyrosine residue is moderately conserved and there is a large physicochemical difference between tyrosine and cysteine.